The following is an entry in ClinVar:

ClinVar aggregate classification (germline): Uncertain significance (1 of 4 stars; one submission).

Conditions:
Supravalvar aortic stenosis (SVAS). Also called: Supravalvar aortic stenosis, Eisenberg type. Identifiers: Orphanet 3193, MedGen C0003499, MONDO:0008504, OMIM 185500, HP:0004381.

gnomAD v4.1: 1 of 1,614,194 alleles (0.000062%); no homozygotes.

Submission:

Labcorp Genetics (formerly Invitae), Labcorp
Classification: Uncertain significance for Supravalvar aortic stenosis. Last evaluated: 2024-06-09. Review status: criteria provided, single submitter. Criteria: Invitae Variant Classification Sherloc (09022015). Collection method: clinical testing. Allele origin: germline.
Comment: This sequence change replaces leucine, which is neutral and non-polar, with proline, which is neutral and non-polar, at codon 600 of the ELN protein (p.Leu600Pro). This variant is not present in population databases (gnomAD no frequency). This variant has not been reported in the literature in individuals affected with ELN-related conditions. Advanced modeling of protein sequence and biophysical properties (such as structural, functional, and spatial information, amino acid conservation, physicochemical variation, residue mobility, and thermodynamic stability) performed at Invitae indicates that this missense variant is not expected to disrupt ELN protein function with a negative predictive value of 80%. In summary, the available evidence is currently insufficient to determine the role of this variant in disease. Therefore, it has been classified as a Variant of Uncertain Significance.

NM_000501.4(ELN):c.1712T>C (p.Leu571Pro)

Genes: ELN (elastin; plus strand), ELN-AS1 (ELN antisense RNA 1; minus strand). Cytogenetic location: 7q11.23.
Variant type: single nucleotide variant.
Coding change: c.1712T>C on transcript NM_000501.4 (MANE Select); coding-DNA position 1712, T replaced by C.
Protein change: p.Leu571Pro; replaces leucine 571 with proline.
Molecular consequence: missense variant.
Genome position (GRCh38, 1-based): chr7:74,060,466, T>C. VCF-style: chr7-74060466-T-C. GRCh37 (hg19) VCF-style: chr7-73474796-T-C.
Other names: c.1625T>C, p.Leu542Pro (NM_001081752.3); c.1670T>C, p.Leu557Pro (NM_001081753.3); c.1727T>C, p.Leu576Pro (NM_001081754.3); c.1655T>C, p.Leu552Pro (NM_001081755.3); c.1712T>C, p.Leu571Pro (NM_001278912.2); c.1469T>C, p.Leu490Pro (NM_001278913.2); c.1640T>C, p.Leu547Pro (NM_001278914.2); c.1730T>C, p.Leu577Pro (NM_001278915.2); and 4 more; short protein forms L561P, L600P, L523P, L547P, L552P, L557P, L577P, L482P.
Identifiers: ClinVar variation 3646515 (VCV003646515.2).